The following is an entry in ClinVar:

ClinVar aggregate classification (germline): Conflicting classifications of pathogenicity. Review status: criteria provided, conflicting classifications (1 of 4 stars). 5 submissions from 5 submitters: Uncertain significance (1); Likely benign (4). Last evaluated 2025-08-17.

Conditions:
Cardiovascular phenotype. Identifiers: MedGen CN230736.
Hereditary hemorrhagic telangiectasia (HHT). Also called: Osler hemorrhagic telangiectasia syndrome; ORW DISEASE; Osler Weber Rendu syndrome; OSLER-RENDU-WEBER DISEASE. Identifiers: Orphanet 774, MedGen C0039445, MONDO:0019180. Disease mechanism: loss of function.

Allele frequency attached by ClinVar (database versions not stated): gnomAD 0.00001 and 0.00002; TOPMed 0.00002; ExAC 0.00005; gnomAD exomes 0.00006.
gnomAD v4.1: 32 of 1,614,078 alleles (0.002%); highest among the groups gnomAD compares: Admixed American, 0.022%; no homozygotes.

Submissions (5):

Labcorp Genetics (formerly Invitae), Labcorp
Classification: Likely benign for Hereditary hemorrhagic telangiectasia. Last evaluated: 2025-08-17. Review status: criteria provided, single submitter. Criteria: Invitae Variant Classification Sherloc (09022015). Collection method: clinical testing. Allele origin: germline.

CeGaT Center for Human Genetics Tuebingen
Classification: Likely benign. Last evaluated: 2025-06-01. Review status: criteria provided, single submitter. Criteria: CeGaT Center For Human Genetics Tuebingen Variant Classification Criteria Version 2. Collection method: clinical testing. Allele origin: germline. Affected: yes. Observed: 1 variant allele.
Comment: ENG: BP4, BP7

Blueprint Genetics
Classification: Likely benign. Last evaluated: 2024-09-12. Review status: criteria provided, single submitter. Criteria: ACMG Guidelines, 2015. Collection method: clinical testing. Allele origin: germline.

Ambry Genetics
Classification: Likely benign for Cardiovascular phenotype. Last evaluated: 2023-05-26. Review status: criteria provided, single submitter. Criteria: Ambry Variant Classification Scheme 2023. Collection method: clinical testing. Allele origin: germline.

Eurofins Ntd Llc (ga)
Classification: Uncertain significance. Last evaluated: 2014-12-18. Review status: criteria provided, single submitter. Criteria: EGL Classification Definitions 2015. Collection method: clinical testing. Allele origin: germline. Observed: 1 variant allele, 1 heterozygote.

NM_001114753.3(ENG):c.1572C>T (p.Pro524=)

Genes: ENG (endoglin; minus strand), LOC102723566 (uncharacterized LOC102723566; plus strand). Cytogenetic location: 9q34.11.
Variant type: single nucleotide variant.
Coding change: c.1572C>T on transcript NM_001114753.3 (MANE Select); coding-DNA position 1572, C replaced by T.
Protein change: p.Pro524=; no amino-acid change (proline 524 retained).
Molecular consequence: synonymous variant.
Genome position (GRCh38, 1-based): chr9:127,818,234, G>A on the plus strand (C>T on the coding strand, the complement: ENG is on the minus strand). VCF-style: chr9-127818234-G-A. GRCh37 (hg19) VCF-style: chr9-130580513-G-A.
Other names: c.1572C>T, p.Pro524= (NM_000118.4); c.1026C>T, p.Pro342= (NM_001278138.2); c.1572C>T (NM_001114753.1).
Identifiers: ClinVar variation 193973 (VCV000193973.29), dbSNP rs760682477, ClinGen allele CA239724.